The following is an entry in ClinVar:

NM_001267550.2(TTN):c.106553A>G (p.Gln35518Arg)

Genes: TTN-AS1 (TTN antisense RNA 1; plus strand), TTN (titin; minus strand). Cytogenetic location: 2q31.2.
Variant type: single nucleotide variant.
Coding change: c.106553A>G on transcript NM_001267550.2 (MANE Select); coding-DNA position 106553, A replaced by G.
Protein change: p.Gln35518Arg; replaces glutamine 35518 with arginine.
Molecular consequence: missense variant.
Genome position (GRCh38, 1-based): chr2:178,529,198, T>C on the plus strand (A>G on the coding strand, the complement: TTN is on the minus strand). VCF-style: chr2-178529198-T-C. GRCh37 (hg19) VCF-style: chr2-179393925-T-C.
Other names: c.101630A>G, p.Gln33877Arg (NM_001256850.1); c.79358A>G, p.Gln26453Arg (NM_003319.4); c.98849A>G, p.Gln32950Arg (NM_133378.4); c.79733A>G, p.Gln26578Arg (NM_133432.3); c.79934A>G, p.Gln26645Arg (NM_133437.4); short protein forms Q26453R, Q26578R, Q26645R, Q32950R, Q33877R, Q35518R.
Identifiers: ClinVar variation 3750857 (VCV003750857.2).
Genomic context (GRCh38, chr2:178,529,198, plus strand): 5'-TCTTGGACAACAGCTTTCTTCTGAGGTGTAATTTCAGAAGTCTTTTGTGTAGAGACTTTC[T>C]GTGCCTCAGTATCTTTTATAGCTAAAAAAGAAACCTCTGTAAGGCAAACTTAATTAGAAA-3'
Protein context (NP_001254479.2, residues 35508-35528): TIKAIKDTEA[Gln35518Arg]KVSTQKTSEI

ClinVar aggregate classification (germline): Uncertain significance (1 of 4 stars; one submission).

Conditions:
Autosomal recessive limb-girdle muscular dystrophy type 2J (LGMDR10). Also called: Limb-girdle muscular dystrophy, type 2J; MUSCULAR DYSTROPHY, LIMB-GIRDLE, AUTOSOMAL RECESSIVE 10. Identifiers: Orphanet 140922, MedGen C1837342, MONDO:0012127, OMIM 608807.
Dilated cardiomyopathy 1G (CMD1G). Identifiers: Orphanet 154, MedGen C1858763, MONDO:0011400, OMIM 604145.

Submission:

Labcorp Genetics (formerly Invitae), Labcorp
Classification: Uncertain significance for Dilated cardiomyopathy 1G; Autosomal recessive limb-girdle muscular dystrophy type 2J. Last evaluated: 2025-01-27. Review status: criteria provided, single submitter. Criteria: Invitae Variant Classification Sherloc (09022015). Collection method: clinical testing. Allele origin: germline.
Comment: This sequence change replaces glutamine, which is neutral and polar, with arginine, which is basic and polar, at codon 35518 of the TTN protein (p.Gln35518Arg). This variant is not present in population databases (gnomAD no frequency). This variant has not been reported in the literature in individuals affected with TTN-related conditions. Experimental studies and prediction algorithms are not available or were not evaluated, and the functional significance of this variant is currently unknown. This variant is located in the M band of TTN (PMID: 25589632). Non-truncating variants in this region may be relevant for neuromuscular disorders, but have not been definitively shown to cause cardiomyopathy (PMID: 23975875). In summary, the available evidence is currently insufficient to determine the role of this variant in disease. Therefore, it has been classified as a Variant of Uncertain Significance.

Literature cited by the submitters: PubMed 25589632; PubMed 23975875.